The following is an entry in ClinVar:

ClinVar aggregate classification (germline): Pathogenic/Likely pathogenic. Review status: criteria provided, multiple submitters, no conflicts (2 of 4 stars). 4 submissions from 4 submitters: Pathogenic (2); Likely pathogenic (2). Last evaluated 2025-06-11.

Conditions:
Retinitis pigmentosa 25 (RP25). Identifiers: Orphanet 791, MedGen C1864446, MONDO:0011272, OMIM 602772.

Allele frequency attached by ClinVar (database versions not stated): TOPMed below 0.00001; gnomAD 0.00001; gnomAD exomes below 0.00001.

Submissions (4):

Natera, Inc.
Classification: Pathogenic for Retinitis pigmentosa type 25. Last evaluated: 2025-06-11. Review status: criteria provided, single submitter. Criteria: Natera Variant Classification Schema (03/2026). Collection method: clinical testing. Allele origin: germline.
Comment: The c.4103dupT variant in EYS is a frameshift variant predicted to shift the reading frame beginning at codon 1369 and leads to a stop codon 18 codons downstream. This variant is expected to result in nonsense mediated decay, truncation, or a dysfunctional protein product. This variant is rare in the general population with a frequency below the threshold expected for the associated phenotype(s). This variant has been observed in one or more individuals affected with the associated recessive disease, as either homozygous or compound heterozygous with a second variant (PMID: 37123408, 36764454). Given the available evidence, this variant is classified as Pathogenic.

Fulgent Genetics
Classification: Likely pathogenic for Retinitis pigmentosa 25. Last evaluated: 2024-06-18. Review status: criteria provided, single submitter. Criteria: ACMG Guidelines, 2015. Collection method: clinical testing. Allele origin: germline.

Baylor Genetics
Classification: Likely pathogenic for Retinitis pigmentosa 25. Last evaluated: 2024-01-01. Review status: criteria provided, single submitter. Criteria: ACMG Guidelines, 2015. Collection method: clinical testing. Allele origin: unknown.

Labcorp Genetics (formerly Invitae), Labcorp
Classification: Pathogenic. Last evaluated: 2023-10-12. Review status: criteria provided, single submitter. Criteria: Invitae Variant Classification Sherloc (09022015). Collection method: clinical testing. Allele origin: germline.
Comment: This sequence change creates a premature translational stop signal (p.Ser1369Ilefs*18) in the EYS gene. It is expected to result in an absent or disrupted protein product. Loss-of-function variants in EYS are known to be pathogenic (PMID: 18836446, 20333770). This variant is not present in population databases (gnomAD no frequency). This variant has not been reported in the literature in individuals affected with EYS-related conditions. ClinVar contains an entry for this variant (Variation ID: 2127624). For these reasons, this variant has been classified as Pathogenic.

Literature cited by the submitters: PubMed 37123408 (cited by Natera, Inc.); PubMed 36764454 (cited by Natera, Inc.); PubMed 18836446 (cited by Labcorp Genetics (formerly Invitae), Labcorp); PubMed 20333770 (cited by Labcorp Genetics (formerly Invitae), Labcorp).

NM_001142800.2(EYS):c.4103dup (p.Ser1369fs)

Gene: EYS (EGF-like photoreceptor maintenance factor; minus strand). Cytogenetic location: 6q12.
Variant type: Duplication.
Coding change: c.4103dup on transcript NM_001142800.2 (MANE Select); coding-DNA position 4103, one base duplicated (T; older notation c.4103dupT).
Protein change: p.Ser1369fs; shifts the reading frame from serine 1369.
Molecular consequence: frameshift variant.
Genome position (GRCh38, 1-based): chr6:64,591,764, A duplicated on the plus strand (T on the coding strand, the reverse complement: EYS is on the minus strand). VCF-style (leftmost placement, unchanged base first): chr6-64591763-T-TA. GRCh37 (hg19) VCF-style: chr6-65301656-T-TA.
Other names: c.4103dupT (NM_001142800.1); c.4103dup, p.Ser1369fs (NM_001292009.2); short protein forms S1369fs.
Identifiers: ClinVar variation 2127624 (VCV002127624.7), dbSNP rs1205803331, ClinGen allele CA827051154.